The following is an entry in ClinVar:

ClinVar aggregate classification (germline): Uncertain significance (1 of 4 stars; one submission).

Submission:

GeneDx
Classification: Uncertain significance. Last evaluated: 2025-01-08. Review status: criteria provided, single submitter. Criteria: GeneDx Variant Classification Process June 2021. Collection method: clinical testing. Allele origin: germline. Affected: yes.
Comment: Not observed at significant frequency in large population cohorts (gnomAD); Located in a region that tolerates variation and lacks pathogenic variants; Has not been previously published as pathogenic or benign to our knowledge; Located in a regulatory region; in the absence of functional studies, the actual effect of this sequence change is unknown

NM_013296.5(GPSM2):c.2055_*3dup (p.His684_Ter685=)

Genes: CLCC1 (chloride channel CLIC like 1; minus strand), GPSM2 (G protein signaling modulator 2; plus strand). Cytogenetic location: 1p13.3.
Variant type: Duplication.
Coding change: c.2055_*3dup on transcript NM_013296.5 (MANE Select); coding-DNA position 2055 through 3 bases downstream of the stop codon, 4 bases duplicated (GTTA; older notation c.2055_*3dupGTTA).
Protein change: p.His684_Ter685=.
Molecular consequence: no sequence alteration. On other transcripts: 3 prime UTR variant (17), non-coding transcript variant (1).
Genome position (GRCh38, 1-based): chr1:108,929,940-108,929,943, GTTA duplicated; duplicating any 4 consecutive bases within chr1:108,929,937-108,929,943 gives the same sequence; the c. name uses the placement nearest the transcript's 3' end. VCF-style (leftmost placement, unchanged base first): chr1-108929936-A-ATTAG. GRCh37 (hg19) VCF-style: chr1-109472558-A-ATTAG.
Other names: c.*2607_*2610dup (NM_001048210.3, NM_001278202.2, NM_001278203.1 and 10 more transcripts); c.*2612_*2615dup (NM_001377459.1, NM_001377460.1, NM_001377462.1 and 1 more transcripts); c.2055_*3dup, p.His684_Ter685= (NM_001321038.2, NM_001321039.3).
Identifiers: ClinVar variation 4056887 (VCV004056887.1).
Genomic context (GRCh38, chr1:108,929,936, plus strand): 5'-ACTTTTTGCAAAATAATGCTTTGTTGGAGTTTAAAAATTCAGGGAAAAAATCGGCAGACC[A>ATTAG]TTAGTTACTATGGATTTATTTTTTTTCCTTTCAAACACGGTAAGGAAACAATCTATTACT-3'